The following is an entry in ClinVar:

NM_000426.4(LAMA2):c.6146_6147del (p.Lys2049fs)

Genes: LAMA2 (laminin subunit alpha 2; plus strand), LOC123864065 (Sharpr-MPRA regulatory region 661; plus strand). Cytogenetic location: 6q22.33.
Variant type: Deletion.
Coding change: c.6146_6147del on transcript NM_000426.4 (MANE Select); coding-DNA positions 6146 to 6147, 2 bases deleted (AA; older notation c.6146_6147delAA).
Protein change: p.Lys2049fs; shifts the reading frame from lysine 2049.
Molecular consequence: frameshift variant.
Genome position (GRCh38, 1-based): chr6:129,440,876-129,440,877, AA deleted; deleting any 2 consecutive bases within chr6:129,440,875-129,440,877 gives the same sequence; the c. name uses the placement nearest the transcript's 3' end. VCF-style (leftmost placement, unchanged base first): chr6-129440874-TAA-T. GRCh37 (hg19) VCF-style: chr6-129762019-TAA-T.
Other names: c.6146_6147del, p.Lys2049fs (NM_001079823.2); short protein forms K2049fs.
Identifiers: ClinVar variation 1726627 (VCV001726627.3), dbSNP rs2533385613, ClinGen allele CA2580075060.

ClinVar aggregate classification (germline): Likely pathogenic (1 of 4 stars; one submission).

Conditions:
LAMA2-related muscular dystrophy (LAMA2-RD). Also called: Laminin alpha 2-related dystrophy. Identifiers: MedGen C5679788, MONDO:0100228.

Submission:

Myriad Genetics, Inc.
Classification: Likely pathogenic for LAMA2-related muscular dystrophy. Last evaluated: 2021-12-29. Review status: criteria provided, single submitter. Criteria: Myriad Autosomal Dominant, Autosomal Recessive and X-Linked Classification Criteria (2023). Collection method: clinical testing. Allele origin: unknown.
Comment: NM_000426.3(LAMA2):c.6146_6147delAA(K2049Rfs*22) is expected to be pathogenic in the context of muscular dystrophy, LAMA2-related. This variant is predicted to lead to an abnormal or absent protein product due to the creation of a premature termination codon in LAMA2, a gene where loss-of-function variants are known to be pathogenic. Please note: this variant was assessed in the context of healthy population screening.